The following is an entry in ClinVar:

ClinVar aggregate classification (germline): Benign. Review status: criteria provided, multiple submitters, no conflicts (2 of 4 stars). 2 submissions from 2 submitters: Benign (2). Last evaluated 2018-06-16.

Allele frequency attached by ClinVar (database versions not stated): gnomAD 0.26796 and 0.27302; TOPMed 0.27057; 1000 Genomes Project 30x 0.28919; 1000 Genomes Project 0.29273.
gnomAD v4.1: 380,084 of 1,256,284 alleles (30%); highest among the groups gnomAD compares: Admixed American, 37%; 58,818 homozygotes.

Submissions (2):

GeneDx
Classification: Benign. Last evaluated: 2018-06-16. Review status: criteria provided, single submitter. Criteria: GeneDx Variant Classification (06012015). Collection method: clinical testing. Allele origin: germline. Affected: yes.
Comment: This variant is considered likely benign or benign based on one or more of the following criteria: it is a conservative change, it occurs at a poorly conserved position in the protein, it is predicted to be benign by multiple in silico algorithms, and/or has population frequency not consistent with disease.

Breakthrough Genomics
Classification: Benign. Review status: criteria provided, single submitter. Criteria: ACMG Guidelines, 2015. Collection method: not provided. Allele origin: germline. Inheritance: Autosomal recessive inheritance. Affected: yes.

NM_006031.6(PCNT):c.9967+89G>C

Gene: PCNT (pericentrin; plus strand). Cytogenetic location: 21q22.3.
Variant type: single nucleotide variant.
Coding change: c.9967+89G>C on transcript NM_006031.6 (MANE Select); 89 bases into the intron after coding-DNA position 9967, G replaced by C.
Molecular consequence: intron variant.
Genome position (GRCh38, 1-based): chr21:46,444,910, G>C. VCF-style: chr21-46444910-G-C. GRCh37 (hg19) VCF-style: chr21-47864823-G-C.
Other names: c.9376+89G>C (NM_001315529.2).
Identifiers: ClinVar variation 670464 (VCV000670464.2), dbSNP rs2073381, ClinGen allele CA14865613.